The following is an entry in ClinVar:

ClinVar aggregate classification (germline): Conflicting classifications of pathogenicity. Review status: criteria provided, conflicting classifications (1 of 4 stars). 4 submissions from 4 submitters: Uncertain significance (3); Likely benign (1). Last evaluated 2025-12-24.

Conditions:
Polyps, multiple and recurrent inflammatory fibroid, gastrointestinal. Identifiers: MedGen C5193005, MONDO:0008285, OMIM 175510.
Hereditary cancer-predisposing syndrome. Also called: Tumor predisposition; Hereditary Cancer Syndrome; Hereditary neoplastic syndrome; Neoplastic Syndromes, Hereditary. Identifiers: Orphanet 140162, MedGen C0027672, MeSH D009386, MONDO:0015356.
Gastrointestinal stromal tumor. Also called: Gastrointestinal stromal tumor, somatic; Gastrointestinal stroma tumor. Identifiers: Orphanet 44890, MedGen C0238198, MeSH D046152, MONDO:0011719, OMIM 606764, HP:0100723.

Allele frequency attached by ClinVar (database versions not stated): TOPMed below 0.00001; gnomAD exomes 0.00001.
gnomAD v4.1: 10 of 1,613,450 alleles (0.00062%); highest among the groups gnomAD compares: Admixed American, 0.0033%; no homozygotes.

Submissions (4):

Labcorp Genetics (formerly Invitae), Labcorp
Classification: Uncertain significance for Gastrointestinal stromal tumor. Last evaluated: 2025-12-24. Review status: criteria provided, single submitter. Criteria: Invitae Variant Classification Sherloc (09022015). Collection method: clinical testing. Allele origin: germline.
Comment: This sequence change replaces threonine, which is neutral and polar, with methionine, which is neutral and non-polar, at codon 526 of the PDGFRA protein (p.Thr526Met). This variant is present in population databases (no rsID available, gnomAD 0.003%). This variant has not been reported in the literature in individuals affected with PDGFRA-related conditions. ClinVar contains an entry for this variant (Variation ID: 577591). Invitae Evidence Modeling of protein sequence and biophysical properties (such as structural, functional, and spatial information, amino acid conservation, physicochemical variation, residue mobility, and thermodynamic stability) indicates that this missense variant is not expected to disrupt PDGFRA protein function with a negative predictive value of 80%. In summary, the available evidence is currently insufficient to determine the role of this variant in disease. Therefore, it has been classified as a Variant of Uncertain Significance.

Ambry Genetics
Classification: Uncertain significance for Hereditary cancer-predisposing syndrome. Last evaluated: 2025-01-17. Review status: criteria provided, single submitter. Criteria: Ambry Variant Classification Scheme 2023. Collection method: clinical testing. Allele origin: germline.
Comment: The p.T526M variant (also known as c.1577C>T), located in coding exon 10 of the PDGFRA gene, results from a C to T substitution at nucleotide position 1577. The threonine at codon 526 is replaced by methionine, an amino acid with similar properties. This amino acid position is conserved. In addition, this alteration is predicted to be deleterious by in silico analysis. Since supporting evidence is limited at this time, the clinical significance of this alteration remains unclear.

CeGaT Center for Human Genetics Tuebingen
Classification: Likely benign. Last evaluated: 2024-09-01. Review status: criteria provided, single submitter. Criteria: CeGaT Center For Human Genetics Tuebingen Variant Classification Criteria Version 2. Collection method: clinical testing. Allele origin: germline. Affected: yes. Observed: 1 variant allele.
Comment: PDGFRA: BS2

Baylor Genetics
Classification: Uncertain significance for Polyps, multiple and recurrent inflammatory fibroid, gastrointestinal. Last evaluated: 2023-08-09. Review status: criteria provided, single submitter. Criteria: ACMG Guidelines, 2015. Collection method: clinical testing. Allele origin: unknown.

NM_006206.6(PDGFRA):c.1577C>T (p.Thr526Met)

Gene: PDGFRA (platelet derived growth factor receptor alpha; plus strand). Cytogenetic location: 4q12.
Variant type: single nucleotide variant.
Coding change: c.1577C>T on transcript NM_006206.6 (MANE Select); coding-DNA position 1577, C replaced by T.
Protein change: p.Thr526Met; replaces threonine 526 with methionine.
Molecular consequence: missense variant.
Genome position (GRCh38, 1-based): chr4:54,274,549, C>T. VCF-style: chr4-54274549-C-T. GRCh37 (hg19) VCF-style: chr4-55140716-C-T.
Other names: c.1577C>T, p.Thr526Met (NM_001347827.2, NM_001347829.2); c.1652C>T, p.Thr551Met (NM_001347828.2); c.1616C>T, p.Thr539Met (NM_001347830.2); short protein forms T526M, T539M, T551M.
Identifiers: ClinVar variation 577591 (VCV000577591.28), dbSNP rs904415979, ClinGen allele CA96859451.
Genomic context (GRCh38, chr4:54,274,549, plus strand): 5'-GCCAGGAAACTTTTCATTGTGCCTCTCTCTCTTGTCACGTAGCCCTGCGTTCTGAACTCA[C>T]GGTGGCTGCTGCAGTCCTGGTGCTGTTGGTGATTGTGATCATCTCACTTATTGTCCTGGT-3'
Protein context (NP_006197.1, residues 516-536): LVAPTLRSEL[Thr526Met]VAAAVLVLLV